The following is an entry in ClinVar:

NM_004360.5(CDH1):c.688-11_688-10delinsTT

Gene: CDH1 (cadherin 1; plus strand). Cytogenetic location: 16q22.1.
Variant type: Indel.
Coding change: c.688-11_688-10delinsTT on transcript NM_004360.5 (MANE Select); 11 bases into the intron before coding-DNA position 688 through 10 bases into the intron before coding-DNA position 688, GG replaced by TT.
Molecular consequence: intron variant.
Genome position (GRCh38, 1-based): chr16:68,810,186-68,810,187, GG replaced by TT. VCF-style: chr16-68810186-GG-TT. GRCh37 (hg19) VCF-style: chr16-68844089-GG-TT.
Other names: c.-928-11_-928-10delinsTT (NM_001317185.2); c.-1132-11_-1132-10delinsTT (NM_001317186.2); c.688-11_688-10delinsTT (NM_001317184.2).
Identifiers: ClinVar variation 2763040 (VCV002763040.3), dbSNP rs2543918600, ClinGen allele CA2697554041.

ClinVar aggregate classification (germline): Uncertain significance (1 of 4 stars; one submission).

Conditions:
Hereditary diffuse gastric adenocarcinoma (HDGC). Also called: DIFFUSE GASTRIC AND LOBULAR BREAST CANCER SYNDROME. Identifiers: Orphanet 26106, MedGen C1708349, MONDO:0007648, OMIM 137215.

Submission:

Labcorp Genetics (formerly Invitae), Labcorp
Classification: Uncertain significance for Hereditary diffuse gastric adenocarcinoma. Last evaluated: 2023-09-24. Review status: criteria provided, single submitter. Criteria: Invitae Variant Classification Sherloc (09022015). Collection method: clinical testing. Allele origin: germline.
Comment: This variant has not been reported in the literature in individuals affected with CDH1-related conditions. Experimental studies and prediction algorithms are not available or were not evaluated, and the effect of this variant on mRNA splicing is currently unknown. In summary, the available evidence is currently insufficient to determine the role of this variant in disease. Therefore, it has been classified as a Variant of Uncertain Significance. Information on the frequency of this variant in the gnomAD database is not available, as this variant may be reported differently in the database. This sequence change falls in intron 5 of the CDH1 gene. It does not directly change the encoded amino acid sequence of the CDH1 protein.